The following is an entry in ClinVar:

ClinVar aggregate classification (germline): Uncertain significance. Review status: criteria provided, multiple submitters, no conflicts (2 of 4 stars). 3 submissions from 3 submitters: Uncertain significance (3). Last evaluated 2025-10-21.

Conditions:
Inborn genetic diseases. Identifiers: MedGen C0950123, MeSH D030342.

Allele frequency attached by ClinVar (database versions not stated): gnomAD exomes 0.00001 and 0.00004; ExAC 0.00002; TOPMed 0.00002; gnomAD 0.00003 and 0.00004; 1000 Genomes Project 30x 0.00016; 1000 Genomes Project 0.00020.
gnomAD v4.1: 63 of 1,614,024 alleles (0.0039%); highest among the groups gnomAD compares: Non-Finnish European, 0.0051%; no homozygotes.

Submissions (3):

Labcorp Genetics (formerly Invitae), Labcorp
Classification: Uncertain significance. Last evaluated: 2025-10-21. Review status: criteria provided, single submitter. Criteria: Invitae Variant Classification Sherloc (09022015). Collection method: clinical testing. Allele origin: germline.
Comment: This sequence change replaces lysine, which is basic and polar, with threonine, which is neutral and polar, at codon 463 of the MTTP protein (p.Lys463Thr). This variant is present in population databases (rs201800519, gnomAD 0.002%). This variant has not been reported in the literature in individuals affected with MTTP-related conditions. ClinVar contains an entry for this variant (Variation ID: 1163250). Invitae Evidence Modeling of protein sequence and biophysical properties (such as structural, functional, and spatial information, amino acid conservation, physicochemical variation, residue mobility, and thermodynamic stability) indicates that this missense variant is not expected to disrupt MTTP protein function with a negative predictive value of 80%. In summary, the available evidence is currently insufficient to determine the role of this variant in disease. Therefore, it has been classified as a Variant of Uncertain Significance.

Ambry Genetics
Classification: Uncertain significance for Inborn genetic diseases. Last evaluated: 2025-09-01. Review status: criteria provided, single submitter. Criteria: Ambry Variant Classification Scheme 2023. Collection method: clinical testing. Allele origin: germline.

Mayo Clinic Laboratories, Mayo Clinic
Classification: Uncertain significance. Last evaluated: 2019-12-24. Review status: criteria provided, single submitter. Criteria: ACMG Guidelines, 2015. Collection method: clinical testing. Allele origin: germline. Observed: 1 variant allele.

NM_001386140.1(MTTP):c.1388A>C (p.Lys463Thr)

Gene: MTTP (microsomal triglyceride transfer protein; plus strand). Cytogenetic location: 4q23.
Variant type: single nucleotide variant.
Coding change: c.1388A>C on transcript NM_001386140.1 (MANE Select); coding-DNA position 1388, A replaced by C.
Protein change: p.Lys463Thr; replaces lysine 463 with threonine.
Molecular consequence: missense variant.
Genome position (GRCh38, 1-based): chr4:99,606,791, A>C. VCF-style: chr4-99606791-A-C. GRCh37 (hg19) VCF-style: chr4-100527948-A-C.
Other names: c.1388A>C (NM_000253.2); c.1388A>C, p.Lys463Thr (NM_000253.4); c.1139A>C, p.Lys380Thr (NM_001300785.2); short protein forms K380T, K463T.
Identifiers: ClinVar variation 1163250 (VCV001163250.12), dbSNP rs201800519, ClinGen allele CA3022103.